The following is an entry in ClinVar:

NM_005359.6(SMAD4):c.766C>T (p.Gln256Ter)

Gene: SMAD4 (SMAD family member 4; plus strand). Cytogenetic location: 18q21.2.
Variant type: single nucleotide variant.
Coding change: c.766C>T on transcript NM_005359.6 (MANE Select); coding-DNA position 766, C replaced by T.
Protein change: p.Gln256Ter; replaces glutamine 256 with a stop codon.
Molecular consequence: nonsense.
Genome position (GRCh38, 1-based): chr18:51,058,223, C>T. VCF-style: chr18-51058223-C-T. GRCh37 (hg19) VCF-style: chr18-48584593-C-T.
Other names: c.766C>T, p.Gln256Ter (NM_001407041.1, NM_001407042.1, NM_001407043.1); short protein forms Q256*.
Identifiers: ClinVar variation 2117814 (VCV002117814.5), dbSNP rs2144427601, ClinGen allele CA402463088.

ClinVar aggregate classification (germline): Pathogenic. Review status: criteria provided, multiple submitters, no conflicts (2 of 4 stars). 2 submissions from 2 submitters: Pathogenic (2). Last evaluated 2026-07-21.

Conditions:
Juvenile polyposis syndrome (JPS). Identifiers: Orphanet 2929, MedGen C0345893, MONDO:0017380, OMIM 174900.
Hereditary cancer-predisposing syndrome. Also called: Tumor predisposition; Hereditary Cancer Syndrome; Hereditary neoplastic syndrome; Neoplastic Syndromes, Hereditary. Identifiers: Orphanet 140162, MedGen C0027672, MeSH D009386, MONDO:0015356.
Familial thoracic aortic aneurysm and aortic dissection (TAAD). Also called: Thoracic aortic aneurysms and dissections. Identifiers: Orphanet 91387, MedGen C4707243, MONDO:0019625.

Submissions (2):

Ambry Genetics
Classification: Pathogenic for Hereditary cancer-predisposing syndrome; Familial thoracic aortic aneurysm and aortic dissection. Last evaluated: 2026-07-21. Review status: criteria provided, single submitter. Criteria: Ambry Variant Classification Scheme 2023. Collection method: clinical testing. Allele origin: germline.
Comment: The p.Q256* pathogenic mutation (also known as c.766C>T), located in coding exon 5 of the SMAD4 gene, results from a C to T substitution at nucleotide position 766. This changes the amino acid from a glutamine to a stop codon within coding exon 5. This variant is considered to be rare based on population cohorts in the Genome Aggregation Database (gnomAD). This alteration is expected to result in loss of function by premature protein truncation or nonsense-mediated mRNA decay. As such, this alteration is interpreted as a disease-causing mutation.

Labcorp Genetics (formerly Invitae), Labcorp
Classification: Pathogenic for Juvenile polyposis syndrome. Last evaluated: 2023-08-07. Review status: criteria provided, single submitter. Criteria: Invitae Variant Classification Sherloc (09022015). Collection method: clinical testing. Allele origin: germline.
Comment: This sequence change creates a premature translational stop signal (p.Gln256*) in the SMAD4 gene. It is expected to result in an absent or disrupted protein product. Loss-of-function variants in SMAD4 are known to be pathogenic (PMID: 16152648, 16436638, 22810475). This variant is not present in population databases (gnomAD no frequency). This variant has not been reported in the literature in individuals affected with SMAD4-related conditions. ClinVar contains an entry for this variant (Variation ID: 2117814). Algorithms developed to predict the effect of sequence changes on RNA splicing suggest that this variant may create or strengthen a splice site. For these reasons, this variant has been classified as Pathogenic.

Literature cited by the submitters: PubMed 16152648 (cited by Labcorp Genetics (formerly Invitae), Labcorp); PubMed 16436638 (cited by Labcorp Genetics (formerly Invitae), Labcorp); PubMed 22810475 (cited by Labcorp Genetics (formerly Invitae), Labcorp).